The following is an entry in ClinVar:

ClinVar aggregate classification (germline): Likely pathogenic (0 of 4 stars; one submission).

Conditions:
Duchenne muscular dystrophy (DMD). Also called: Duchenne Muscular Dystrophy (DMD); MUSCULAR DYSTROPHY, PSEUDOHYPERTROPHIC PROGRESSIVE, DUCHENNE TYPE. Identifiers: Orphanet 98896, MedGen C0013264, MONDO:0010679, OMIM 310200.

Submission:

CGC Genetics, Unilabs
Classification: Likely pathogenic for Duchenne muscular dystrophy. Last evaluated: 2024-12-03. Review status: no assertion criteria provided. Collection method: clinical testing. Allele origin: unknown. Inheritance: X-linked dominant inheritance. Affected: yes.
Comment: The variant NM_004006.3: c.649+4_649+27199del p.?, detected in hemizygosity in the DMD gene, has not been described in the literature at the time of this submission. It is not reported in the population database DGV (Database of Genomic Variants) and in gnomAD. This variant is a deletion of ~27.2 kb located in intron 7 that comprises the donor splice region of exon 7, and bioinformatic analysis suggests an impact on the normal splicing. Furthermore, another variant located in the same donor splice region has been reported in patients with Duchenne muscular dystrophy (c.649+5G>A; PMID 19783145). Additionally, clinical information suggests a phenotype highly compatible with the respective pathology associated with the gene. With the currently available information, this should be considered a likely pathogenic variant. ACMG codes: PP3_supporting, PM2_supporting, PP4_strong.

Literature cited by the submitters: PubMed 19783145.

NM_004006.3:c.649+4_649+27199del

Gene: DMD (dystrophin; minus strand).
Variant type: Deletion.
Other names: c.649+4_649+27199del (NM_004006.3).
Identifiers: ClinVar variation 3385326 (VCV003385326.2).